The following is an entry in ClinVar:

NM_020693.4(DSCAML1):c.364G>C (p.Val122Leu)

Gene: DSCAML1 (DS cell adhesion molecule like 1; minus strand). Cytogenetic location: 11q23.3.
Variant type: single nucleotide variant.
Coding change: c.364G>C on transcript NM_020693.4 (MANE Select); coding-DNA position 364, G replaced by C.
Protein change: p.Val122Leu; replaces valine 122 with leucine.
Molecular consequence: missense variant. On other transcripts: 5 prime UTR variant (1).
Genome position (GRCh38, 1-based): chr11:117,780,493, C>G on the plus strand (G>C on the coding strand, the complement: DSCAML1 is on the minus strand). VCF-style: chr11-117780493-C-G. GRCh37 (hg19) VCF-style: chr11-117651208-C-G.
Other names: c.364G>C, p.Val122Leu (NM_001367904.1); c.-45G>C (NM_001367905.1); short protein forms V122L.
Identifiers: ClinVar variation 3682610 (VCV003682610.2).

ClinVar aggregate classification (germline): Uncertain significance (1 of 4 stars; one submission).

gnomAD v4.1: 1 of 1,445,022 alleles (0.000069%); highest among the groups gnomAD compares: Non-Finnish European, 0.000091%; no homozygotes.

Submission:

Labcorp Genetics (formerly Invitae), Labcorp
Classification: Uncertain significance. Last evaluated: 2024-12-10. Review status: criteria provided, single submitter. Criteria: Invitae Variant Classification Sherloc (09022015). Collection method: clinical testing. Allele origin: germline.
Comment: This sequence change replaces valine, which is neutral and non-polar, with leucine, which is neutral and non-polar, at codon 182 of the DSCAML1 protein (p.Val182Leu). This variant also falls at the last nucleotide of exon 2, which is part of the consensus splice site for this exon. This variant is not present in population databases (gnomAD no frequency). This variant has not been reported in the literature in individuals affected with DSCAML1-related conditions. An algorithm developed to predict the effect of missense changes on protein structure and function (PolyPhen-2) suggests that this variant is likely to be disruptive. Variants that disrupt the consensus splice site are a relatively common cause of aberrant splicing (PMID: 17576681, 9536098). Algorithms developed to predict the effect of sequence changes on RNA splicing suggest that this variant may disrupt the consensus splice site. In summary, the available evidence is currently insufficient to determine the role of this variant in disease. Therefore, it has been classified as a Variant of Uncertain Significance.

Literature cited by the submitters: PubMed 17576681; PubMed 9536098.